The following is an entry in ClinVar:

ClinVar aggregate classification (germline): Pathogenic (1 of 4 stars; one submission).

Conditions:
Primary ciliary dyskinesia. Also called: Ciliary dyskinesia. Identifiers: Orphanet 244, MedGen C0008780, MONDO:0016575, HP:0012265.

Submission:

Labcorp Genetics (formerly Invitae), Labcorp
Classification: Pathogenic for Primary ciliary dyskinesia. Last evaluated: 2023-06-25. Review status: criteria provided, single submitter. Criteria: Invitae Variant Classification Sherloc (09022015). Collection method: clinical testing. Allele origin: germline.
Comment: This variant is not present in population databases (gnomAD no frequency). For these reasons, this variant has been classified as Pathogenic. This variant has not been reported in the literature in individuals affected with DNAH5-related conditions. This sequence change creates a premature translational stop signal (p.Arg3062Serfs*14) in the DNAH5 gene. It is expected to result in an absent or disrupted protein product. Loss-of-function variants in DNAH5 are known to be pathogenic (PMID: 11788826, 16627867).

Literature cited by the submitters: PubMed 11788826; PubMed 16627867.

NM_001369.3(DNAH5):c.9186del (p.Arg3062fs)

Gene: DNAH5 (dynein axonemal heavy chain 5; minus strand). Cytogenetic location: 5p15.2.
Variant type: Deletion.
Coding change: c.9186del on transcript NM_001369.3 (MANE Select); coding-DNA position 9186, one base deleted (G; older notation c.9186delG).
Protein change: p.Arg3062fs; shifts the reading frame from arginine 3062.
Molecular consequence: frameshift variant.
Genome position (GRCh38, 1-based): chr5:13,776,626, C deleted on the plus strand (G on the coding strand, the reverse complement: DNAH5 is on the minus strand); the first of 2 consecutive C bases (chr5:13,776,626-13,776,627); deleting either gives the same sequence. VCF-style (leftmost placement, unchanged base first): chr5-13776625-AC-A. GRCh37 (hg19) VCF-style: chr5-13776734-AC-A.
Other names: short protein forms R3062fs.
Identifiers: ClinVar variation 2728656 (VCV002728656.3), dbSNP rs2546679327, ClinGen allele CA2697547083.